The following is an entry in ClinVar:

NM_138694.4(PKHD1):c.2445G>T (p.Gln815His)

Gene: PKHD1 (PKHD1 ciliary IPT domain containing fibrocystin/polyductin; minus strand). Cytogenetic location: 6p12.2.
Variant type: single nucleotide variant.
Coding change: c.2445G>T on transcript NM_138694.4 (MANE Select); coding-DNA position 2445, G replaced by T.
Protein change: p.Gln815His; replaces glutamine 815 with histidine.
Molecular consequence: missense variant.
Genome position (GRCh38, 1-based): chr6:52,046,151, C>A on the plus strand (G>T on the coding strand, the complement: PKHD1 is on the minus strand). VCF-style: chr6-52046151-C-A. GRCh37 (hg19) VCF-style: chr6-51910949-C-A.
Other names: c.2445G>T, p.Gln815His (NM_170724.3); short protein forms Q815H.
Identifiers: ClinVar variation 241842 (VCV000241842.6), dbSNP rs775446499, ClinGen allele CA10582456.

ClinVar aggregate classification (germline): Uncertain significance (1 of 4 stars; one submission).

Conditions:
Autosomal recessive polycystic kidney disease (ARPKD). Also called: AR polycystic kidney disease. Identifiers: Orphanet 731, Orphanet 8378, MedGen C0085548, MeSH D017044, MONDO:0009889.

Submission:

Labcorp Genetics (formerly Invitae), Labcorp
Classification: Uncertain significance for Autosomal recessive polycystic kidney disease. Last evaluated: 2022-07-05. Review status: criteria provided, single submitter. Criteria: Invitae Variant Classification Sherloc (09022015). Collection method: clinical testing. Allele origin: germline.
Comment: This sequence change replaces glutamine, which is neutral and polar, with histidine, which is basic and polar, at codon 815 of the PKHD1 protein (p.Gln815His). This variant is not present in population databases (gnomAD no frequency). This variant has not been reported in the literature in individuals affected with PKHD1-related conditions. ClinVar contains an entry for this variant (Variation ID: 241842). Advanced modeling of protein sequence and biophysical properties (such as structural, functional, and spatial information, amino acid conservation, physicochemical variation, residue mobility, and thermodynamic stability) performed at Invitae indicates that this missense variant is not expected to disrupt PKHD1 protein function. Algorithms developed to predict the effect of sequence changes on RNA splicing suggest that this variant may disrupt the consensus splice site. In summary, the available evidence is currently insufficient to determine the role of this variant in disease. Therefore, it has been classified as a Variant of Uncertain Significance.